The following is an entry in ClinVar:

ClinVar aggregate classification (germline): Likely benign (1 of 4 stars; one submission).

Allele frequency attached by ClinVar (database versions not stated): ExAC 0.00096; ESP Exome Variant Server 0.00235; 1000 Genomes Project 0.00300; 1000 Genomes Project 30x 0.00344.
gnomAD v4.1: 966 of 1,611,438 alleles (0.06%); highest among the groups gnomAD compares: African/African-American, 0.83%; 4 homozygotes.

Submission:

CeGaT Center for Human Genetics Tuebingen
Classification: Likely benign. Last evaluated: 2022-07-01. Review status: criteria provided, single submitter. Criteria: CeGaT Center For Human Genetics Tuebingen Variant Classification Criteria Version 2. Collection method: clinical testing. Allele origin: germline. Affected: yes. Observed: 1 variant allele.
Comment: WASHC2C: BP4, BP7

NM_001330074.2(WASHC2C):c.21C>G (p.Pro7=)

Gene: WASHC2C (WASH complex subunit 2C; plus strand). Cytogenetic location: 10q11.22.
Variant type: single nucleotide variant.
Coding change: c.21C>G on transcript NM_001330074.2 (MANE Select); coding-DNA position 21, C replaced by G.
Protein change: p.Pro7=; no amino-acid change (proline 7 retained).
Molecular consequence: synonymous variant. On other transcripts: 5 prime UTR variant (12), non-coding transcript variant (1).
Genome position (GRCh38, 1-based): chr10:45,727,434, C>G. VCF-style: chr10-45727434-C-G. GRCh37 (hg19) VCF-style: chr10-46222882-C-G.
Other names: c.21C>G, p.Pro7= (NM_001367400.1, NM_001367401.1, NM_001367403.1 and 11 more transcripts); c.-562C>G (NM_001367402.1); c.-673C>G (NM_001367405.1); c.-1700C>G (NM_001367406.1); c.-662C>G (NM_001367407.1); c.-197C>G (NM_001367409.1, NM_001367410.1, NM_001367411.1 and 2 more transcripts); c.-656C>G (NM_001367398.1, NM_001367412.1); c.18C>G, p.Pro6= (NM_001367393.1); and 1 more.
Identifiers: ClinVar variation 2640425 (VCV002640425.24), dbSNP rs371473474, ClinGen allele CA5482485.